The following is an entry in ClinVar:

ClinVar aggregate classification (germline): Uncertain significance (1 of 4 stars; one submission).

Submission:

Labcorp Genetics (formerly Invitae), Labcorp
Classification: Uncertain significance. Last evaluated: 2023-10-10. Review status: criteria provided, single submitter. Criteria: Invitae Variant Classification Sherloc (09022015). Collection method: clinical testing. Allele origin: germline.
Comment: This sequence change replaces tryptophan, which is neutral and slightly polar, with cysteine, which is neutral and slightly polar, at codon 263 of the HOXB13 protein (p.Trp263Cys). This variant is not present in population databases (gnomAD no frequency). This variant has not been reported in the literature in individuals affected with HOXB13-related conditions. Advanced modeling of protein sequence and biophysical properties (such as structural, functional, and spatial information, amino acid conservation, physicochemical variation, residue mobility, and thermodynamic stability) performed at Invitae indicates that this missense variant is expected to disrupt HOXB13 protein function. In summary, the available evidence is currently insufficient to determine the role of this variant in disease. Therefore, it has been classified as a Variant of Uncertain Significance.

NM_006361.6(HOXB13):c.789G>C (p.Trp263Cys)

Gene: HOXB13 (homeobox B13; minus strand). Cytogenetic location: 17q21.32.
Variant type: single nucleotide variant.
Coding change: c.789G>C on transcript NM_006361.6 (MANE Select); coding-DNA position 789, G replaced by C.
Protein change: p.Trp263Cys; replaces tryptophan 263 with cysteine.
Molecular consequence: missense variant.
Genome position (GRCh38, 1-based): chr17:48,726,856, C>G on the plus strand (G>C on the coding strand, the complement: HOXB13 is on the minus strand). VCF-style: chr17-48726856-C-G. GRCh37 (hg19) VCF-style: chr17-46804218-C-G.
Other names: short protein forms W263C.
Identifiers: ClinVar variation 2767377 (VCV002767377.3), dbSNP rs2509512866, ClinGen allele CA400105714.